The following is an entry in ClinVar:

ClinVar aggregate classification (germline): Uncertain significance (1 of 4 stars; one submission).

Allele frequency attached by ClinVar (database versions not stated): gnomAD exomes 0.00002; ExAC 0.00003; TOPMed 0.00005; gnomAD 0.00006.
gnomAD v4.1: 14 of 1,613,548 alleles (0.00087%); highest among the groups gnomAD compares: African/African-American, 0.017%; no homozygotes.

Submission:

Labcorp Genetics (formerly Invitae), Labcorp
Classification: Uncertain significance. Last evaluated: 2022-03-03. Review status: criteria provided, single submitter. Criteria: Invitae Variant Classification Sherloc (09022015). Collection method: clinical testing. Allele origin: germline.
Comment: This sequence change replaces glutamic acid, which is acidic and polar, with lysine, which is basic and polar, at codon 287 of the TULP1 protein (p.Glu287Lys). This variant is present in population databases (rs770681790, gnomAD 0.02%). This variant has not been reported in the literature in individuals affected with TULP1-related conditions. ClinVar contains an entry for this variant (Variation ID: 951221). Algorithms developed to predict the effect of missense changes on protein structure and function are either unavailable or do not agree on the potential impact of this missense change (SIFT: "Not Available"; PolyPhen-2: "Benign"; Align-GVGD: "Not Available"). In summary, the available evidence is currently insufficient to determine the role of this variant in disease. Therefore, it has been classified as a Variant of Uncertain Significance.

NM_003322.6(TULP1):c.859G>A (p.Glu287Lys)

Gene: TULP1 (TUB like protein 1; minus strand). Cytogenetic location: 6p21.31.
Variant type: single nucleotide variant.
Coding change: c.859G>A on transcript NM_003322.6 (MANE Select); coding-DNA position 859, G replaced by A.
Protein change: p.Glu287Lys; replaces glutamic acid 287 with lysine.
Molecular consequence: missense variant.
Genome position (GRCh38, 1-based): chr6:35,506,143, C>T on the plus strand (G>A on the coding strand, the complement: TULP1 is on the minus strand). VCF-style: chr6-35506143-C-T. GRCh37 (hg19) VCF-style: chr6-35473920-C-T.
Other names: c.700G>A, p.Glu234Lys (NM_001289395.2); short protein forms E287K, E234K.
Identifiers: ClinVar variation 951221 (VCV000951221.7), dbSNP rs770681790, ClinGen allele CA3772760.
Genomic context (GRCh38, chr6:35,506,143, plus strand): 5'-AGCGCACCGTGCGGCCCTGGGGGGCAGGCCGGAGCACAAACTCCCGGGGTTCGTCCACCT[C>T]CACGGGGGGAGACGGGGCCCTCTCCTCCTTCTGGGTGGGGGCAGAGGGTACATCAGCCCC-3'
Protein context (NP_003313.3, residues 277-297): KEERAPSPPV[Glu287Lys]VDEPREFVLR